The following is an entry in ClinVar:

NM_005633.4(SOS1):c.1988T>A (p.Ile663Lys)

Gene: SOS1 (SOS Ras/Rac guanine nucleotide exchange factor 1; minus strand). Cytogenetic location: 2p22.1.
Variant type: single nucleotide variant.
Coding change: c.1988T>A on transcript NM_005633.4 (MANE Select); coding-DNA position 1988, T replaced by A.
Protein change: p.Ile663Lys; replaces isoleucine 663 with lysine.
Molecular consequence: missense variant.
Genome position (GRCh38, 1-based): chr2:39,013,942, A>T on the plus strand (T>A on the coding strand, the complement: SOS1 is on the minus strand). VCF-style: chr2-39013942-A-T. GRCh37 (hg19) VCF-style: chr2-39241083-A-T.
Other names: c.1967T>A, p.Ile656Lys (NM_001382394.1); c.1988T>A, p.Ile663Lys (NM_001382395.1); short protein forms I663K, I656K.
Identifiers: ClinVar variation 2987025 (VCV002987025.4), dbSNP rs1048869073, ClinGen allele CA346364916.

ClinVar aggregate classification (germline): Conflicting classifications of pathogenicity. Review status: criteria provided, conflicting classifications (1 of 4 stars). 2 submissions from 2 submitters: Uncertain significance (1); Likely benign (1). Last evaluated 2026-01-31.

Conditions:
SOS1-related disorder. Also called: SOS1-related condition.
RASopathy. Also called: rasopathies; Noonan spectrum disorder. Identifiers: Orphanet 536391, MedGen C5555857, MONDO:0021060.

Allele frequency attached by ClinVar (database versions not stated): gnomAD exomes below 0.00001.
gnomAD v4.1: 1 of 1,604,896 alleles (0.000062%); highest among the groups gnomAD compares: Admixed American, 0.0017%; no homozygotes.

Submissions (2):

Labcorp Genetics (formerly Invitae), Labcorp
Classification: Likely benign for RASopathy. Last evaluated: 2026-01-31. Review status: criteria provided, single submitter. Criteria: Invitae Variant Classification Sherloc (09022015). Collection method: clinical testing. Allele origin: germline.

PreventionGenetics, part of Exact Sciences
Classification: Uncertain significance for SOS1-related condition. Last evaluated: 2025-08-06. Review status: criteria provided, single submitter. Criteria: ACMG Guidelines, 2015. Collection method: clinical testing. Allele origin: germline.
Comment: The SOS1 c.1988T>A variant is predicted to result in the amino acid substitution p.Ile663Lys. To our knowledge, this variant has not been reported in the literature. This variant is reported in 0.0029% of alleles in individuals of Latino descent in gnomAD. At this time, the clinical significance of this variant is uncertain due to the absence of conclusive functional and genetic evidence.